The following is an entry in ClinVar:

NM_000038.6(APC):c.1664C>G (p.Ala555Gly)

Gene: APC (APC regulator of Wnt signaling pathway; plus strand). Cytogenetic location: 5q22.2.
Variant type: single nucleotide variant.
Coding change: c.1664C>G on transcript NM_000038.6 (MANE Select); coding-DNA position 1664, C replaced by G.
Protein change: p.Ala555Gly; replaces alanine 555 with glycine.
Molecular consequence: missense variant.
Genome position (GRCh38, 1-based): chr5:112,828,893, C>G. VCF-style: chr5-112828893-C-G. GRCh37 (hg19) VCF-style: chr5-112164590-C-G.
Other names: c.1718C>G, p.Ala573Gly (NM_001407447.1, NM_001407448.1, NM_001407449.1 and 1 more transcripts); c.1664C>G, p.Ala555Gly (NM_001407450.1, NM_001127510.3, NM_001354895.2); c.1643C>G, p.Ala548Gly (NM_001407451.1); c.1634C>G, p.Ala545Gly (NM_001407452.1); c.1487C>G, p.Ala496Gly (NM_001407453.1, NM_001354901.2); c.1415C>G, p.Ala472Gly (NM_001407454.1, NM_001407455.1, NM_001407456.1 and 1 more transcripts); c.1610C>G, p.Ala537Gly (NM_001127511.3); c.1694C>G, p.Ala565Gly (NM_001354897.2); and 11 more; short protein forms A395G, A496G, A530G, A454G, A464G, A527G, A537G, A565G.
Identifiers: ClinVar variation 1777547 (VCV001777547.3), dbSNP rs2149817273, ClinGen allele CA16024944.
Genomic context (GRCh38, chr5:112,828,893, plus strand): 5'-ATCTAAAATTGATTAATTTGCAGGTTATTGCGAGTGTTTTGAGGAATTTGTCTTGGCGAG[C>G]AGATGTAAATAGTAAAAAGACGTTGCGAGAAGTTGGAAGTGTGAAAGCATTGATGGAATG-3'
Protein context (NP_000029.2, residues 545-565): ASVLRNLSWR[Ala555Gly]DVNSKKTLRE

ClinVar aggregate classification (germline): Uncertain significance. Review status: criteria provided, multiple submitters, no conflicts (2 of 4 stars). 2 submissions from 2 submitters: Uncertain significance (2). Last evaluated 2024-03-12.

Conditions:
Colorectal cancer. Also called: Colorectal cancer, somatic; Malignant Colorectal Neoplasm. Identifiers: MedGen C0346629, MONDO:0005575, OMIM 114500.
Gastric adenocarcinoma and proximal polyposis of the stomach (GAPPS). Also called: POLYPOSIS, GASTRIC; Polyposis, gastric, Dos Santos and de Magalhaes 1980; Gastric Adenocarcinoma and Proximal Polyposis of the Stomach (GAPPS). Identifiers: Orphanet 314022, MedGen C4749917, MONDO:0017790, OMIM 619182.
Gastric cancer. Also called: Stomach cancer; Malignant tumor of stomach. Identifiers: MedGen C0024623, MeSH D013274, MONDO:0001056, OMIM 613659, HP:0012126.
Hepatocellular carcinoma (HCC). Also called: HEPATOMA; LIVER CELL CARCINOMA; Primary carcinoma of liver. Identifiers: Orphanet 88673, MedGen C2239176, MONDO:0007256, OMIM 114550, HP:0001402.
Desmoid disease, hereditary (DESMD). Also called: FIBROMATOSIS, FAMILIAL INFILTRATIVE. Identifiers: Orphanet 873, MedGen C1851124, OMIM 135290. Disease mechanism: loss of function.
Familial adenomatous polyposis 1 (FAP1). Also called: FAMILIAL ADENOMATOUS POLYPOSIS 1, ATTENUATED; POLYPOSIS, ADENOMATOUS INTESTINAL. Identifiers: MedGen C2713442, MONDO:0021056, OMIM 175100. Disease mechanism: loss of function.
Hereditary cancer-predisposing syndrome. Also called: Neoplastic Syndromes, Hereditary; Tumor predisposition; Hereditary Cancer Syndrome; Hereditary neoplastic syndrome. Identifiers: Orphanet 140162, MedGen C0027672, MeSH D009386, MONDO:0015356.

Submissions (2):

Fulgent Genetics
Classification: Uncertain significance for Colorectal cancer; Hepatocellular carcinoma; Desmoid disease, hereditary; Familial adenomatous polyposis 1; Gastric cancer; Gastric adenocarcinoma and proximal polyposis of the stomach. Last evaluated: 2024-03-12. Review status: criteria provided, single submitter. Criteria: ACMG Guidelines, 2015. Collection method: clinical testing. Allele origin: germline.

Ambry Genetics
Classification: Uncertain significance for Hereditary cancer-predisposing syndrome. Last evaluated: 2019-11-11. Review status: criteria provided, single submitter. Criteria: Ambry Variant Classification Scheme 2023. Collection method: clinical testing. Allele origin: germline.
Comment: The p.A555G variant (also known as c.1664C>G), located in coding exon 13 of the APC gene, results from a C to G substitution at nucleotide position 1664. The alanine at codon 555 is replaced by glycine, an amino acid with similar properties. In addition, in silico predictors for this gene do not accurately predict pathogenicity. Since supporting evidence is limited at this time, the clinical significance of this alteration remains unclear.